The following is an entry in ClinVar:

NM_018979.4(WNK1):c.5449-14dup

Gene: WNK1 (WNK lysine deficient protein kinase 1; plus strand). Cytogenetic location: 12p13.33.
Variant type: Duplication.
Coding change: c.5449-14dup on transcript NM_018979.4 (MANE Select); 14 bases into the intron before coding-DNA position 5449, one base duplicated (T; older notation c.5449-14dupT).
Molecular consequence: intron variant.
Genome position (GRCh38, 1-based): chr12:890,439, T duplicated. VCF-style (leftmost placement, unchanged base first): chr12-890438-G-GT. GRCh37 (hg19) VCF-style: chr12-999604-G-GT.
Other names: c.6205-14dup (NM_213655.5); c.6229-14dup (NM_001184985.2); c.4708-14dup (NM_014823.3); c.5449-14dupT (NM_018979.4).
Identifiers: ClinVar variation 1378567 (VCV001378567.7), dbSNP rs554394776, ClinGen allele CA6383190.

ClinVar aggregate classification (germline): Likely benign. Review status: criteria provided, multiple submitters, no conflicts (2 of 4 stars). 2 submissions from 2 submitters: Likely benign (2). Last evaluated 2025-10-27.

Conditions:
Neuropathy, hereditary sensory and autonomic, type 2A (HSAN2A). Also called: ACROOSTEOLYSIS, GIACCAI TYPE; ACROOSTEOLYSIS, NEUROGENIC; MORVAN DISEASE; NEUROPATHY, CONGENITAL SENSORY; NEUROPATHY, HEREDITARY SENSORY RADICULAR, AUTOSOMAL RECESSIVE; NEUROPATHY, HEREDITARY SENSORY, TYPE IIA. Identifiers: Orphanet 970, MedGen C2752089, MONDO:0024309, OMIM 201300.
Pseudohypoaldosteronism type 2C (PHA2C). Also called: Pseudohypoaldosteronism Type IIC. Identifiers: Orphanet 757, Orphanet 88940, MedGen C1840391, MONDO:0013778, OMIM 614492.

Allele frequency attached by ClinVar (database versions not stated): gnomAD 0.00022 and 0.00021; TOPMed 0.00037; 1000 Genomes Project 0.00060; 1000 Genomes Project 30x 0.00062; gnomAD exomes 0.00003; ExAC 0.00004; ESP Exome Variant Server 0.00008.

Submissions (2):

Women's Health and Genetics/Laboratory Corporation of America, LabCorp
Classification: Likely benign. Last evaluated: 2025-10-27. Review status: criteria provided, single submitter. Criteria: LabCorp Variant Classification Summary - May 2015. Collection method: clinical testing. Allele origin: germline.
Comment: Variant summary: WNK1 c.5449-14dupT alters a non-conserved nucleotide located at a position not widely known to affect splicing. Consensus agreement among computation tools predict no significant impact on normal splicing. However, these predictions have yet to be confirmed by functional studies. The variant allele was found at a frequency of 2.8e-05 in 251398 control chromosomes. The available data on variant occurrences in the general population are insufficient to allow any conclusion about variant significance. To our knowledge, no occurrence of c.5449-14dupT in individuals affected with WNK1-related conditions and no experimental evidence demonstrating its impact on protein function have been reported. ClinVar contains an entry for this variant (Variation ID: 1378567). Based on the evidence outlined above, the variant was classified as likely benign.

Labcorp Genetics (formerly Invitae), Labcorp
Classification: Likely benign for Neuropathy, hereditary sensory and autonomic, type 2A; Pseudohypoaldosteronism type 2C. Last evaluated: 2025-10-24. Review status: criteria provided, single submitter. Criteria: Invitae Variant Classification Sherloc (09022015). Collection method: clinical testing. Allele origin: germline.